The following is an entry in ClinVar:

ClinVar aggregate classification (germline): Uncertain significance. Review status: criteria provided, multiple submitters, no conflicts (2 of 4 stars). 2 submissions from 2 submitters: Uncertain significance (2). Last evaluated 2023-01-18.

Conditions:
Predisposition to invasive fungal disease due to CARD9 deficiency (IMD103). Also called: IMMUNODEFICIENCY 103, SUSCEPTIBILITY TO FUNGAL INFECTIONS; Candidiasis, familial, 2, autosomal recessive; CARD9 IMMUNODEFICIENCY. Identifiers: Orphanet 457088, MedGen C1859353, MONDO:0008905, OMIM 212050.

Allele frequency attached by ClinVar (database versions not stated): gnomAD 0.00007; ESP Exome Variant Server 0.00008; TOPMed 0.00009; 1000 Genomes Project 30x 0.00031; 1000 Genomes Project 0.00040.

Submissions (2):

GeneDx
Classification: Uncertain significance. Last evaluated: 2023-01-18. Review status: criteria provided, single submitter. Criteria: GeneDx Variant Classification Process June 2021. Collection method: clinical testing. Allele origin: germline. Affected: yes.
Comment: In silico analysis supports that this missense variant has a deleterious effect on protein structure/function; Has not been previously published as pathogenic or benign to our knowledge

Labcorp Genetics (formerly Invitae), Labcorp
Classification: Uncertain significance for Predisposition to invasive fungal disease due to CARD9 deficiency. Last evaluated: 2022-10-17. Review status: criteria provided, single submitter. Criteria: Invitae Variant Classification Sherloc (09022015). Collection method: clinical testing. Allele origin: germline.
Comment: This sequence change replaces arginine, which is basic and polar, with histidine, which is basic and polar, at codon 29 of the CARD9 protein (p.Arg29His). This variant is present in population databases (rs201587695, gnomAD 0.03%). This variant has not been reported in the literature in individuals affected with CARD9-related conditions. ClinVar contains an entry for this variant (Variation ID: 945597). Algorithms developed to predict the effect of missense changes on protein structure and function (SIFT, PolyPhen-2, Align-GVGD) all suggest that this variant is likely to be disruptive. In summary, the available evidence is currently insufficient to determine the role of this variant in disease. Therefore, it has been classified as a Variant of Uncertain Significance.

NM_052813.5(CARD9):c.86G>A (p.Arg29His)

Gene: CARD9 (caspase recruitment domain family member 9; minus strand). Cytogenetic location: 9q34.3.
Variant type: single nucleotide variant.
Coding change: c.86G>A on transcript NM_052813.5 (MANE Select); coding-DNA position 86, G replaced by A.
Protein change: p.Arg29His; replaces arginine 29 with histidine.
Molecular consequence: missense variant.
Genome position (GRCh38, 1-based): chr9:136,371,993, C>T on the plus strand (G>A on the coding strand, the complement: CARD9 is on the minus strand). VCF-style: chr9-136371993-C-T. GRCh37 (hg19) VCF-style: chr9-139266445-C-T.
Other names: c.86G>A, p.Arg29His (NM_052814.4); short protein forms R29H.
Identifiers: ClinVar variation 945597 (VCV000945597.5), dbSNP rs201587695, ClinGen allele CA5333253.